The following is an entry in ClinVar:

ClinVar aggregate classification (germline): Benign (1 of 4 stars; one submission).

Conditions:
Familial colorectal cancer type X. Identifiers: Orphanet 440437, MedGen C3896578, MONDO:0018604.

gnomAD v4.1: 1 of 1,551,608 alleles (0.000064%); no homozygotes.

Submission:

Myriad Genetics, Inc.
Classification: Benign for Familial colorectal cancer type X. Last evaluated: 2026-08-04. Review status: criteria provided, single submitter. Criteria: Myriad Autosomal Dominant, Autosomal Recessive and X-Linked Classification Criteria (2023). Collection method: clinical testing. Allele origin: unknown.
Comment: This variant is considered benign. This variant is a silent/synonymous amino acid change and it is not expected to impact splicing.

NM_001146227.3(RPS20):c.414G>T (p.Gly138=)

Gene: RPS20 (ribosomal protein S20; minus strand). Cytogenetic location: 8q12.1.
Variant type: single nucleotide variant.
Coding change: c.414G>T on transcript NM_001146227.3; coding-DNA position 414, G replaced by T.
Protein change: p.Gly138=; no amino-acid change (glycine 138 retained).
Molecular consequence: synonymous variant.
Genome position (GRCh38, 1-based): chr8:56,069,753, C>A on the plus strand (G>T on the coding strand, the complement: RPS20 is on the minus strand). VCF-style: chr8-56069753-C-A. GRCh37 (hg19) VCF-style: chr8-56982312-C-A.
Identifiers: ClinVar variation 5042317 (VCV005042317.1).